The following is an entry in ClinVar:

NM_033380.3(COL4A5):c.1559C>T (p.Ala520Val)

Gene: COL4A5 (collagen type IV alpha 5 chain; plus strand). Cytogenetic location: Xq22.3.
Variant type: single nucleotide variant.
Coding change: c.1559C>T on transcript NM_033380.3 (MANE Select); coding-DNA position 1559, C replaced by T.
Protein change: p.Ala520Val; replaces alanine 520 with valine.
Molecular consequence: missense variant.
Genome position (GRCh38, 1-based): chrX:108,597,040, C>T. VCF-style: chrX-108597040-C-T. GRCh37 (hg19) VCF-style: chrX-107840270-C-T.
Other names: c.1559C>T, p.Ala520Val (NM_000495.5); short protein forms A520V.
Identifiers: ClinVar variation 1120091 (VCV001120091.4), dbSNP rs2066528784, ClinGen allele CA413845135.
Genomic context (GRCh38, chrX:108,597,040, plus strand): 5'-TGTGTGTGTGTGTGTTAGGATCTCTTGGTTTCCCTGGACAGAAAGGGGAAAAAGGACAAG[C>T]TGGTGCAACTGGTCCCAAAGGATTACCAGTAAGTTTTGAGTATATTATAAAACAAAAAGA-3'
Protein context (NP_203699.1, residues 510-530): FPGQKGEKGQ[Ala520Val]GATGPKGLPG

ClinVar aggregate classification (germline): Uncertain significance (1 of 4 stars; one submission).

Allele frequency attached by ClinVar (database versions not stated): TOPMed below 0.00001.

Submission:

Laboratory for Molecular Medicine, Mass General Brigham Personalized Medicine
Classification: Uncertain significance. Last evaluated: 2020-07-10. Review status: criteria provided, single submitter. Criteria: LMM Criteria. Collection method: clinical testing. Allele origin: germline. Observed: 1 variant allele.
Comment: Variant classified as Uncertain Significance - Favor Benign. The p.Ala520Val variant in COL4A5 has not been previously reported in individuals with Alport syndrome and was absent from large population databases. Computational prediction tools and conservation analyses suggest that this variant may not impact the protein, though this information is not predictive enough to rule out pathogenicity. In addition, three mammals (hedgehog, oppossum, wallaby) carry a valine (Val) at this position; however, nearby amino acids are not highly conserved. In summary, while the clinical significance of this variant is uncertain, the conservation data suggest that it is more likely to be benign. ACMG/AMP Criteria applied: PM2, BP4.